The following is an entry in ClinVar:

NC_000016.9:g.(?_74678240)_(74695347_?)del

Gene: RFWD3 (ring finger and WD repeat domain 3; minus strand). Cytogenetic location: 16q23.1.
Variant type: Deletion.
Identifiers: ClinVar variation 3243657 (VCV003243657.1).

ClinVar aggregate classification (germline): Uncertain significance (1 of 4 stars; one submission).

Submission:

Labcorp Genetics (formerly Invitae), Labcorp
Classification: Uncertain significance. Last evaluated: 2023-10-07. Review status: criteria provided, single submitter. Criteria: Invitae Variant Classification Sherloc (09022015). Collection method: clinical testing. Allele origin: unknown.
Comment: This variant is a gross deletion of the genomic region encompassing exon(s) 2-6 of the RFWD3 gene, which includes the initiator codon. This deletion extends beyond the assayed region for this gene and therefore may encompass additional genes. It is expected to result in an absent or disrupted protein product. However, the current clinical and genetic evidence is not sufficient to establish whether loss-of-function variants in RFWD3 cause disease. This variant has not been reported in the literature in individuals affected with RFWD3-related conditions. In summary, the available evidence is currently insufficient to determine the role of this variant in disease. Therefore, it has been classified as a Variant of Uncertain Significance.